The following is an entry in ClinVar:

NM_000081.4(LYST):c.5864A>G (p.Lys1955Arg)

Gene: LYST (lysosomal trafficking regulator; minus strand). Cytogenetic location: 1q42.3.
Variant type: single nucleotide variant.
Coding change: c.5864A>G on transcript NM_000081.4 (MANE Select); coding-DNA position 5864, A replaced by G.
Protein change: p.Lys1955Arg; replaces lysine 1955 with arginine.
Molecular consequence: missense variant.
Genome position (GRCh38, 1-based): chr1:235,770,218, T>C on the plus strand (A>G on the coding strand, the complement: LYST is on the minus strand). VCF-style: chr1-235770218-T-C. GRCh37 (hg19) VCF-style: chr1-235933518-T-C.
Other names: c.5864A>G, p.Lys1955Arg (NM_001301365.1); short protein forms K1955R.
Identifiers: ClinVar variation 1064278 (VCV001064278.8), dbSNP rs1412066795, ClinGen allele CA344949814.

ClinVar aggregate classification (germline): Uncertain significance (1 of 4 stars; one submission).

Conditions:
Chédiak-Higashi syndrome (CHS). Also called: Chediak-Higashi Syndrome. Identifiers: Orphanet 167, MedGen C0007965, MONDO:0008963, OMIM 214500.

Allele frequency attached by ClinVar (database versions not stated): TOPMed below 0.00001; gnomAD 0.00001.
gnomAD v4.1: 2 of 1,613,678 alleles (0.00012%); highest among the groups gnomAD compares: African/African-American, 0.0027%; no homozygotes.

Submission:

Labcorp Genetics (formerly Invitae), Labcorp
Classification: Uncertain significance for Chédiak-Higashi syndrome. Last evaluated: 2022-06-23. Review status: criteria provided, single submitter. Criteria: Invitae Variant Classification Sherloc (09022015). Collection method: clinical testing. Allele origin: germline.
Comment: ClinVar contains an entry for this variant (Variation ID: 1064278). This sequence change replaces lysine, which is basic and polar, with arginine, which is basic and polar, at codon 1955 of the LYST protein (p.Lys1955Arg). This variant is not present in population databases (gnomAD no frequency). This variant has not been reported in the literature in individuals affected with LYST-related conditions. Algorithms developed to predict the effect of missense changes on protein structure and function output the following: SIFT: "Tolerated"; PolyPhen-2: "Benign"; Align-GVGD: "Class C0". The arginine amino acid residue is found in multiple mammalian species, which suggests that this missense change does not adversely affect protein function. Algorithms developed to predict the effect of sequence changes on RNA splicing suggest that this variant may disrupt the consensus splice site. In summary, the available evidence is currently insufficient to determine the role of this variant in disease. Therefore, it has been classified as a Variant of Uncertain Significance.